The following is an entry in ClinVar:

NM_003119.4(SPG7):c.632T>C (p.Met211Thr)

Gene: SPG7 (SPG7 matrix AAA peptidase subunit, paraplegin; plus strand). Cytogenetic location: 16q24.3.
Variant type: single nucleotide variant.
Coding change: c.632T>C on transcript NM_003119.4 (MANE Select); coding-DNA position 632, T replaced by C.
Protein change: p.Met211Thr; replaces methionine 211 with threonine.
Molecular consequence: missense variant.
Genome position (GRCh38, 1-based): chr16:89,526,342, T>C. VCF-style: chr16-89526342-T-C. GRCh37 (hg19) VCF-style: chr16-89592750-T-C.
Other names: c.632T>C, p.Met211Thr (NM_001363850.1, NM_199367.3); short protein forms M211T.
Identifiers: ClinVar variation 2647107 (VCV002647107.24), dbSNP rs2152400458, ClinGen allele CA397418156.

ClinVar aggregate classification (germline): Uncertain significance (1 of 4 stars; one submission).

Submission:

CeGaT Center for Human Genetics Tuebingen
Classification: Uncertain significance. Last evaluated: 2023-02-01. Review status: criteria provided, single submitter. Criteria: CeGaT Center For Human Genetics Tuebingen Variant Classification Criteria Version 2. Collection method: clinical testing. Allele origin: germline. Affected: yes. Observed: 1 variant allele.
Comment: SPG7: PM2